The following is an entry in ClinVar:

ClinVar aggregate classification (germline): Uncertain significance (1 of 4 stars; one submission).

Allele frequency attached by ClinVar (database versions not stated): gnomAD exomes below 0.00001.
gnomAD v4.1: 1 of 1,613,996 alleles (0.000062%); highest among the groups gnomAD compares: South Asian, 0.0011%; no homozygotes.

Submission:

Labcorp Genetics (formerly Invitae), Labcorp
Classification: Uncertain significance. Last evaluated: 2021-05-27. Review status: criteria provided, single submitter. Criteria: Invitae Variant Classification Sherloc (09022015). Collection method: clinical testing. Allele origin: germline.
Comment: This variant has not been reported in the literature in individuals with ITGAM-related conditions. In summary, the available evidence is currently insufficient to determine the role of this variant in disease. Therefore, it has been classified as a Variant of Uncertain Significance. Algorithms developed to predict the effect of sequence changes on RNA splicing suggest that this variant may create or strengthen a splice site, but this prediction has not been confirmed by published transcriptional studies. Algorithms developed to predict the effect of missense changes on protein structure and function (SIFT, PolyPhen-2, Align-GVGD) all suggest that this variant is likely to be tolerated, but these predictions have not been confirmed by published functional studies and their clinical significance is uncertain. This variant is not present in population databases (ExAC no frequency). This sequence change replaces serine with glycine at codon 293 of the ITGAM protein (p.Ser293Gly). The serine residue is moderately conserved and there is a small physicochemical difference between serine and glycine.

NM_000632.4(ITGAM):c.877A>G (p.Ser293Gly)

Gene: ITGAM (integrin subunit alpha M; plus strand). Cytogenetic location: 16p11.2.
Variant type: single nucleotide variant.
Coding change: c.877A>G on transcript NM_000632.4 (MANE Select); coding-DNA position 877, A replaced by G.
Protein change: p.Ser293Gly; replaces serine 293 with glycine.
Molecular consequence: missense variant.
Genome position (GRCh38, 1-based): chr16:31,275,567, A>G. VCF-style: chr16-31275567-A-G. GRCh37 (hg19) VCF-style: chr16-31286888-A-G.
Other names: c.877A>G, p.Ser293Gly (NM_001145808.2); short protein forms S293G.
Identifiers: ClinVar variation 1356651 (VCV001356651.8), dbSNP rs2144305059, ClinGen allele CA395697194.